The following is an entry in ClinVar:

ClinVar aggregate classification (germline): Uncertain significance (1 of 4 stars; one submission).

Conditions:
Nephronophthisis 18 (NPHP18). Identifiers: Orphanet 655, MedGen C3890591, MONDO:0014374, OMIM 615862.

gnomAD v4.1: 3 of 1,613,878 alleles (0.00019%); highest among the groups gnomAD compares: Non-Finnish European, 0.00025%; no homozygotes.

Submission:

Labcorp Genetics (formerly Invitae), Labcorp
Classification: Uncertain significance for Nephronophthisis 18. Last evaluated: 2025-03-22. Review status: criteria provided, single submitter. Criteria: Invitae Variant Classification Sherloc (09022015). Collection method: clinical testing. Allele origin: germline.
Comment: This sequence change replaces methionine, which is neutral and non-polar, with valine, which is neutral and non-polar, at codon 502 of the CEP83 protein (p.Met502Val). This variant is not present in population databases (gnomAD no frequency). This variant has not been reported in the literature in individuals affected with CEP83-related conditions. Invitae Evidence Modeling of protein sequence and biophysical properties (such as structural, functional, and spatial information, amino acid conservation, physicochemical variation, residue mobility, and thermodynamic stability) indicates that this missense variant is not expected to disrupt CEP83 protein function with a negative predictive value of 80%. In summary, the available evidence is currently insufficient to determine the role of this variant in disease. Therefore, it has been classified as a Variant of Uncertain Significance.

NM_016122.3(CEP83):c.1504A>G (p.Met502Val)

Gene: CEP83 (centrosomal protein 83; minus strand). Cytogenetic location: 12q22.
Variant type: single nucleotide variant.
Coding change: c.1504A>G on transcript NM_016122.3 (MANE Select); coding-DNA position 1504, A replaced by G.
Protein change: p.Met502Val; replaces methionine 502 with valine.
Molecular consequence: missense variant. On other transcripts: non-coding transcript variant (2).
Genome position (GRCh38, 1-based): chr12:94,333,555, T>C on the plus strand (A>G on the coding strand, the complement: CEP83 is on the minus strand). VCF-style: chr12-94333555-T-C. GRCh37 (hg19) VCF-style: chr12-94727331-T-C.
Other names: c.1504A>G, p.Met502Val (NM_001042399.2, NM_001346457.2, NM_001368037.1 and 1 more transcripts); c.1192A>G, p.Met398Val (NM_001346458.2, NM_001346459.2, NM_001368039.1 and 1 more transcripts); c.1279A>G, p.Met427Val (NM_001368041.1); short protein forms M427V, M502V, M398V.
Identifiers: ClinVar variation 4706665 (VCV004706665.1).
Genomic context (GRCh38, chr12:94,333,555, plus strand): 5'-GTTGCGCTTTTTCAGCTTGGCTTCTAAAATTTCGGCATTCTTGTTTTAATCTCTCCACCA[T>C]TTCCTTCAGCATTTGGTTTGAATTCAGCAAGTCATTCTCTGACTGTGCAAGTGAAGTCAC-3'
Protein context (NP_057206.2, residues 492-512): LLNSNQMLKE[Met502Val]VERLKQECRN